The following is an entry in ClinVar:

NM_001288705.3(CSF1R):c.110C>T (p.Thr37Met)

Gene: CSF1R (colony stimulating factor 1 receptor; minus strand). Cytogenetic location: 5q32.
Variant type: single nucleotide variant.
Coding change: c.110C>T on transcript NM_001288705.3 (MANE Select); coding-DNA position 110, C replaced by T.
Protein change: p.Thr37Met; replaces threonine 37 with methionine.
Molecular consequence: missense variant. On other transcripts: 5 prime UTR variant (1), non-coding transcript variant (2).
Genome position (GRCh38, 1-based): chr5:150,080,964, G>A on the plus strand (C>T on the coding strand, the complement: CSF1R is on the minus strand). VCF-style: chr5-150080964-G-A. GRCh37 (hg19) VCF-style: chr5-149460527-G-A.
Other names: c.110C>T, p.Thr37Met (NM_001349736.2, NM_001375320.1, NM_005211.4); c.-335C>T (NM_001375321.1); short protein forms T37M.
Identifiers: ClinVar variation 1567619 (VCV001567619.9), dbSNP rs139635308, ClinGen allele CA3507280.

ClinVar aggregate classification (germline): Conflicting classifications of pathogenicity. Review status: criteria provided, conflicting classifications (1 of 4 stars). 3 submissions from 3 submitters: Uncertain significance (2); Benign (1). Last evaluated 2025-03-24.

Conditions:
Brain abnormalities, neurodegeneration, and dysosteosclerosis. Identifiers: MedGen C5193117, MONDO:0032772, OMIM 618476.

Allele frequency attached by ClinVar (database versions not stated): ESP Exome Variant Server 0.00015; gnomAD exomes 0.00018; ExAC 0.00020; 1000 Genomes Project 30x 0.00031; 1000 Genomes Project 0.00040.
gnomAD v4.1: 123 of 1,614,116 alleles (0.0076%); highest among the groups gnomAD compares: South Asian, 0.076%; 2 homozygotes.

Submissions (3):

Labcorp Genetics (formerly Invitae), Labcorp
Classification: Benign. Last evaluated: 2025-03-24. Review status: criteria provided, single submitter. Criteria: Invitae Variant Classification Sherloc (09022015). Collection method: clinical testing. Allele origin: germline.

GeneDx
Classification: Uncertain significance. Last evaluated: 2022-04-26. Review status: criteria provided, single submitter. Criteria: GeneDx Variant Classification Process June 2021. Collection method: clinical testing. Allele origin: germline. Affected: yes.
Comment: In silico analysis supports that this missense variant does not alter protein structure/function; Has not been previously published as pathogenic or benign to our knowledge

Neuberg Centre For Genomic Medicine, NCGM
Classification: Uncertain significance for Brain abnormalities, neurodegeneration, and dysosteosclerosis. Review status: criteria provided, single submitter. Criteria: ACMG Guidelines, 2015. Collection method: clinical testing. Allele origin: germline. Inheritance: Autosomal recessive inheritance. Affected: yes.
Comment: The c.110C>T (p.Thr37Met) missense variant in CSF1R gene has not been reported previously as a pathogenic variant nor as a benign variant, to our knowledge. This variant is reported with the allele frequency (0.01%) in the gnomAD and novel in 1000 genome database. The amino acid Thr at position 37 is changed to a Met changing protein sequence and it might alter its composition and physico-chemical properties. For these reasons, this variant has been classified as Variant of Uncertain Significance (VUS).